The following is an entry in ClinVar:

ClinVar aggregate classification (germline): Uncertain significance (1 of 4 stars; one submission).

Conditions:
Hereditary sensory and autonomic neuropathy type 6. Also called: Neuropathy, hereditary sensory and autonomic, type VI; HSAN VI. Identifiers: Orphanet 314381, MedGen C3539003, MONDO:0013839, OMIM 614653.
Epidermolysis bullosa simplex 3, localized or generalized intermediate, with BP230 deficiency (EBS3). Also called: Epidermolysis bullosa simplex due to BP230 deficiency; Epidermolysis bullosa simplex, autosomal recessive 2. Identifiers: Orphanet 412181, MedGen C3809470, MONDO:0014180, OMIM 615425.

Allele frequency attached by ClinVar (database versions not stated): TOPMed 0.00001.

Submission:

Labcorp Genetics (formerly Invitae), Labcorp
Classification: Uncertain significance for Epidermolysis bullosa simplex 3, localized or generalized intermediate, with BP230 deficiency; Hereditary sensory and autonomic neuropathy type 6. Last evaluated: 2022-05-07. Review status: criteria provided, single submitter. Criteria: Invitae Variant Classification Sherloc (09022015). Collection method: clinical testing. Allele origin: germline.
Comment: In summary, the available evidence is currently insufficient to determine the role of this variant in disease. Therefore, it has been classified as a Variant of Uncertain Significance. Experimental studies and prediction algorithms are not available or were not evaluated, and the effect of this variant on mRNA splicing is currently unknown. This variant has not been reported in the literature in individuals affected with DST-related conditions. This variant is not present in population databases (gnomAD no frequency). This sequence change affects codon 2855 of the DST mRNA. It is a 'silent' change, meaning that it does not change the encoded amino acid sequence of the DST protein. The DST gene has multiple clinically relevant transcripts. This variant occurs in alternate transcript NM_015548.4, and corresponds to NM_001723.5:c.*63159C>T in the primary transcript.

NM_001374736.1(DST):c.16434C>T (p.Asp5478=)

Gene: DST (dystonin; minus strand). Cytogenetic location: 6p12.1.
Variant type: single nucleotide variant.
Coding change: c.16434C>T on transcript NM_001374736.1 (MANE Select); coding-DNA position 16434, C replaced by T.
Protein change: p.Asp5478=; no amino-acid change (aspartic acid 5478 retained).
Molecular consequence: synonymous variant.
Genome position (GRCh38, 1-based): chr6:56,552,358, G>A on the plus strand (C>T on the coding strand, the complement: DST is on the minus strand). VCF-style: chr6-56552358-G-A. GRCh37 (hg19) VCF-style: chr6-56417156-G-A.
Other names: c.10077C>T, p.Asp3359= (NM_001144769.5); c.9663C>T, p.Asp3221= (NM_001144770.2); c.16434C>T, p.Asp5478= (NM_001374722.1); c.15801C>T, p.Asp5267= (NM_001374729.1); c.9543C>T, p.Asp3181= (NM_001374730.1, NM_001386100.1, NM_183380.4); c.16461C>T, p.Asp5487= (NM_001374734.1); c.8565C>T, p.Asp2855= (NM_015548.5).
Identifiers: ClinVar variation 2134949 (VCV002134949.4), dbSNP rs2097339348, ClinGen allele CA450487336.
Genomic context (GRCh38, chr6:56,552,358, plus strand): 5'-GTAAAATTCTTCAAGGCGCTTAATTGTCCCTTCAACCTGCTCTTCTCTGGCTTGGGCTCG[G>A]TCCAGTAACTTGTTGCATTGTTTGCTTAAGGCCTCCAAGTCCCTTTTGATTCCAACAAGG-3'
Protein context (NP_001361665.1, residues 5468-5488): ALSKQCNKLL[Asp5478=]RAQAREEQVE